The following is an entry in ClinVar:

ClinVar aggregate classification (germline): Uncertain significance (1 of 4 stars; one submission).

Conditions:
Hereditary cancer-predisposing syndrome. Also called: Neoplastic Syndromes, Hereditary; Tumor predisposition; Hereditary neoplastic syndrome; Hereditary Cancer Syndrome. Identifiers: Orphanet 140162, MedGen C0027672, MeSH D009386, MONDO:0015356.

Submission:

Ambry Genetics
Classification: Uncertain significance for Hereditary cancer-predisposing syndrome. Last evaluated: 2022-11-30. Review status: criteria provided, single submitter. Criteria: Ambry Variant Classification Scheme 2023. Collection method: clinical testing. Allele origin: germline.
Comment: The c.241_242delTCinsGT variant (also known as p.S81V), located in coding exon 2 of the SUFU gene, results from an in-frame deletion of TC and insertion of GT at nucleotide positions 241 to 242. This results in the substitution of the serine residue for a valine residue at codon 81, an amino acid with dissimilar properties. This amino acid position is not well conserved in available vertebrate species. In addition, this alteration is predicted to be neutral by in silico analysis (Choi Y et al. PLoS ONE. 2012; 7(10):e46688). Since supporting evidence is limited at this time, the clinical significance of this alteration remains unclear.

NM_016169.4(SUFU):c.241_242delinsGT (p.Ser81Val)

Gene: SUFU (SUFU negative regulator of hedgehog signaling; plus strand). Cytogenetic location: 10q24.32.
Variant type: Indel.
Coding change: c.241_242delinsGT on transcript NM_016169.4 (MANE Select); coding-DNA positions 241 to 242, TC replaced by GT.
Protein change: p.Ser81Val; replaces serine 81 with valine.
Molecular consequence: missense variant.
Genome position (GRCh38, 1-based): chr10:102,509,227-102,509,228, TC replaced by GT. VCF-style: chr10-102509227-TC-GT. GRCh37 (hg19) VCF-style: chr10-104268984-TC-GT.
Other names: c.241_242delinsGT, p.Ser81Val (NM_001178133.2); short protein forms S81V.
Identifiers: ClinVar variation 2452602 (VCV002452602.2), dbSNP rs2544845886, ClinGen allele CA2580081234.
Genomic context (GRCh38, chr10:102,509,227, plus strand): 5'-AGGTTGGGTGGCCCAGACCCCTTGGACTATGTTAGCATGTACAGGAATGTGGGGAGCCCT[TC>GT]TGCTAACATCCCCGAGCACTGGCACTACATCAGCTTCGGCCTGAGTGATCTCTATGGTGA-3'
Protein context (NP_057253.2, residues 71-91): VSMYRNVGSP[Ser81Val]ANIPEHWHYI